The following is an entry in ClinVar:

NM_014974.3(DIP2C):c.3172C>T (p.Arg1058Cys)

Gene: DIP2C (DIP2 acetate--CoA ligase C (putative); minus strand). Cytogenetic location: 10p15.3.
Variant type: single nucleotide variant.
Coding change: c.3172C>T on transcript NM_014974.3 (MANE Select); coding-DNA position 3172, C replaced by T.
Protein change: p.Arg1058Cys; replaces arginine 1058 with cysteine.
Molecular consequence: missense variant.
Genome position (GRCh38, 1-based): chr10:348,700, G>A on the plus strand (C>T on the coding strand, the complement: DIP2C is on the minus strand). VCF-style: chr10-348700-G-A. GRCh37 (hg19) VCF-style: chr10-394640-G-A.
Other names: c.3172C>T (NM_014974.2); short protein forms R1058C.
Identifiers: ClinVar variation 1921339 (VCV001921339.6), dbSNP rs765260096, ClinGen allele CA5380092.

ClinVar aggregate classification (germline): Uncertain significance. Review status: criteria provided, multiple submitters, no conflicts (2 of 4 stars). 2 submissions from 2 submitters: Uncertain significance (2). Last evaluated 2026-04-23.

Conditions:
Inborn genetic diseases. Identifiers: MedGen C0950123, MeSH D030342.

Allele frequency attached by ClinVar (database versions not stated): gnomAD exomes below 0.00001; TOPMed below 0.00001; ExAC 0.00001.
gnomAD v4.1: 2 of 1,613,988 alleles (0.00012%); highest among the groups gnomAD compares: Non-Finnish European, 0.000085%; no homozygotes.

Submissions (2):

Ambry Genetics
Classification: Uncertain significance for Inborn genetic diseases. Last evaluated: 2026-04-23. Review status: criteria provided, single submitter. Criteria: Ambry Variant Classification Scheme 2023. Collection method: clinical testing. Allele origin: germline.
Comment: The c.3172C>T (p.R1058C) alteration is located in exon 26 (coding exon 26) of the DIP2C gene. This alteration results from a C to T substitution at nucleotide position 3172, causing the arginine (R) at amino acid position 1058 to be replaced by a cysteine (C). Based on data from gnomAD, the T allele has an overall frequency of <0.001% (1/251218) total alleles studied. The highest observed frequency was <0.001% (/) of alleles. Based on insufficient or conflicting evidence, the clinical significance of this alteration remains unclear.

Labcorp Genetics (formerly Invitae), Labcorp
Classification: Uncertain significance. Last evaluated: 2022-05-30. Review status: criteria provided, single submitter. Criteria: Invitae Variant Classification Sherloc (09022015). Collection method: clinical testing. Allele origin: germline.
Comment: This sequence change replaces arginine, which is basic and polar, with cysteine, which is neutral and slightly polar, at codon 1058 of the DIP2C protein (p.Arg1058Cys). This variant is present in population databases (rs765260096, gnomAD 0.0009%). This variant has not been reported in the literature in individuals affected with DIP2C-related conditions. Algorithms developed to predict the effect of missense changes on protein structure and function (SIFT, PolyPhen-2, Align-GVGD) all suggest that this variant is likely to be disruptive. Algorithms developed to predict the effect of sequence changes on RNA splicing suggest that this variant may create or strengthen a splice site. In summary, the available evidence is currently insufficient to determine the role of this variant in disease. Therefore, it has been classified as a Variant of Uncertain Significance.